The following is an entry in ClinVar:

ClinVar aggregate classification (germline): Uncertain significance (1 of 4 stars; one submission).

gnomAD v4.1: 1 of 1,613,302 alleles (0.000062%); highest among the groups gnomAD compares: Non-Finnish European, 0.000085%; no homozygotes.

Submission:

Labcorp Genetics (formerly Invitae), Labcorp
Classification: Uncertain significance. Last evaluated: 2022-08-17. Review status: criteria provided, single submitter. Criteria: Invitae Variant Classification Sherloc (09022015). Collection method: clinical testing. Allele origin: germline.
Comment: This variant is not present in population databases (gnomAD no frequency). This sequence change replaces alanine, which is neutral and non-polar, with threonine, which is neutral and polar, at codon 719 of the PLG protein (p.Ala719Thr). This variant has not been reported in the literature in individuals affected with PLG-related conditions. In summary, the available evidence is currently insufficient to determine the role of this variant in disease. Therefore, it has been classified as a Variant of Uncertain Significance. Algorithms developed to predict the effect of missense changes on protein structure and function (SIFT, PolyPhen-2, Align-GVGD) all suggest that this variant is likely to be tolerated.

NM_000301.5(PLG):c.2155G>A (p.Ala719Thr)

Gene: PLG (plasminogen; plus strand). Cytogenetic location: 6q26.
Variant type: single nucleotide variant.
Coding change: c.2155G>A on transcript NM_000301.5 (MANE Select); coding-DNA position 2155, G replaced by A.
Protein change: p.Ala719Thr; replaces alanine 719 with threonine.
Molecular consequence: missense variant.
Genome position (GRCh38, 1-based): chr6:160,752,144, G>A. VCF-style: chr6-160752144-G-A. GRCh37 (hg19) VCF-style: chr6-161173176-G-A.
Other names: short protein forms A719T.
Identifiers: ClinVar variation 1933020 (VCV001933020.5), dbSNP rs1003565868, ClinGen allele CA366368124.